The following is an entry in ClinVar:

ClinVar aggregate classification (germline): Uncertain significance. Review status: criteria provided, multiple submitters, no conflicts (2 of 4 stars). 2 submissions from 2 submitters: Uncertain significance (2). Last evaluated 2024-08-06.

Conditions:
Hereditary nonpolyposis colorectal neoplasms. Identifiers: MedGen C0009405, MeSH D003123.
Hereditary cancer-predisposing syndrome. Also called: Hereditary Cancer Syndrome; Hereditary neoplastic syndrome; Neoplastic Syndromes, Hereditary; Tumor predisposition. Identifiers: Orphanet 140162, MedGen C0027672, MeSH D009386, MONDO:0015356.

Submissions (2):

Ambry Genetics
Classification: Uncertain significance for Hereditary cancer-predisposing syndrome. Last evaluated: 2024-08-06. Review status: criteria provided, single submitter. Criteria: Ambry Variant Classification Scheme 2023. Collection method: clinical testing. Allele origin: germline.
Comment: The p.Q160L variant (also known as c.479A>T), located in coding exon 3 of the MSH6 gene, results from an A to T substitution at nucleotide position 479. The glutamine at codon 160 is replaced by leucine, an amino acid with dissimilar properties. This amino acid position is well conserved in available vertebrate species. In addition, this alteration is predicted to be tolerated by in silico analysis. Based on the available evidence, the clinical significance of this variant remains unclear.

Labcorp Genetics (formerly Invitae), Labcorp
Classification: Uncertain significance for Hereditary nonpolyposis colorectal neoplasms. Last evaluated: 2017-03-01. Review status: criteria provided, single submitter. Criteria: Invitae Variant Classification Sherloc (09022015). Collection method: clinical testing. Allele origin: germline.
Comment: In summary, this variant is a novel missense change that is not predicted to affect protein function. There is no indication that it causes disease, but the available evidence is currently insufficient to prove that conclusively. Therefore, it has been classified as a Variant of Uncertain Significance. Algorithms developed to predict the effect of missense changes on protein structure and function (SIFT, PolyPhen-2, Align-GVGD) all suggest that this variant is likely to be tolerated, but these predictions have not been confirmed by published functional studies. This variant is not present in population databases (ExAC no frequency) and has not been reported in the literature in individuals with an MSH6-related disease. This sequence change replaces glutamine with leucine at codon 160 of the MSH6 protein (p.Gln160Leu). The glutamine residue is moderately conserved and there is a moderate physicochemical difference between glutamine and leucine.

NM_000179.3(MSH6):c.479A>T (p.Gln160Leu)

Gene: MSH6 (mutS homolog 6; plus strand). Cytogenetic location: 2p16.3.
Variant type: single nucleotide variant.
Coding change: c.479A>T on transcript NM_000179.3 (MANE Select); coding-DNA position 479, A replaced by T.
Protein change: p.Gln160Leu; replaces glutamine 160 with leucine.
Molecular consequence: missense variant. On other transcripts: 5 prime UTR variant (1), intron variant (2).
Genome position (GRCh38, 1-based): chr2:47,795,915, A>T. VCF-style: chr2-47795915-A-T. GRCh37 (hg19) VCF-style: chr2-48023054-A-T.
Other names: c.-424A>T (NM_001281494.2); c.-279-2696A>T (NM_001281493.2); c.238-2696A>T (NM_001281492.2); short protein forms Q160L.
Identifiers: ClinVar variation 455329 (VCV000455329.10), dbSNP rs1553411397, ClinGen allele CA346738601.